The following is an entry in ClinVar:

NM_001371928.1(AHDC1):c.2940A>G (p.Val980=)

Gene: AHDC1 (AT-hook DNA binding motif containing 1; minus strand). Cytogenetic location: 1p36.11.
Variant type: single nucleotide variant.
Coding change: c.2940A>G on transcript NM_001371928.1 (MANE Select); coding-DNA position 2940, A replaced by G.
Protein change: p.Val980=; no amino-acid change (valine 980 retained).
Molecular consequence: synonymous variant.
Genome position (GRCh38, 1-based): chr1:27,549,176, T>C on the plus strand (A>G on the coding strand, the complement: AHDC1 is on the minus strand). VCF-style: chr1-27549176-T-C. GRCh37 (hg19) VCF-style: chr1-27875687-T-C.
Other names: c.2940A>G, p.Val980= (NM_001029882.3).
Identifiers: ClinVar variation 737296 (VCV000737296.29), dbSNP rs112729214, ClinGen allele CA715658.

ClinVar aggregate classification (germline): Likely benign. Review status: criteria provided, multiple submitters, no conflicts (2 of 4 stars). 2 submissions from 2 submitters: Likely benign (2). Last evaluated 2025-11-02.

Allele frequency attached by ClinVar (database versions not stated): ExAC 0.00001; gnomAD 0.00001 and 0.00005; gnomAD exomes 0.00001; TOPMed 0.00002; ESP Exome Variant Server 0.00015.
gnomAD v4.1: 24 of 1,579,862 alleles (0.0015%); highest among the groups gnomAD compares: African/African-American, 0.02%; 1 homozygote.

Submissions (2):

Labcorp Genetics (formerly Invitae), Labcorp
Classification: Likely benign. Last evaluated: 2025-11-02. Review status: criteria provided, single submitter. Criteria: Invitae Variant Classification Sherloc (09022015). Collection method: clinical testing. Allele origin: germline.

CeGaT Center for Human Genetics Tuebingen
Classification: Likely benign. Last evaluated: 2024-01-01. Review status: criteria provided, single submitter. Criteria: CeGaT Center For Human Genetics Tuebingen Variant Classification Criteria Version 2. Collection method: clinical testing. Allele origin: germline. Affected: yes. Observed: 1 variant allele.
Comment: AHDC1: BP4, BP7